The following is an entry in ClinVar:

ClinVar aggregate classification (germline): Pathogenic/Likely pathogenic. Review status: criteria provided, multiple submitters, no conflicts (2 of 4 stars). 2 submissions from 2 submitters: Pathogenic (1); Likely pathogenic (1). Last evaluated 2025-04-14.

Conditions:
Primary ciliary dyskinesia. Also called: Ciliary dyskinesia. Identifiers: Orphanet 244, MedGen C0008780, MONDO:0016575, HP:0012265.
Kartagener syndrome (CILD1). Also called: CILIARY DYSKINESIA, PRIMARY, 1; CILIARY DYSKINESIA, PRIMARY, 1, WITH OR WITHOUT SITUS INVERSUS; IMMOTILE CILIA SYNDROME; POLYNESIAN BRONCHIECTASIS; Dextrocardia bronchiectasis and sinusitis; SIEWERT SYNDROME. Identifiers: Orphanet 244, MedGen C4551906, MONDO:0009484, OMIM 244400.

Submissions (2):

Natera, Inc.
Classification: Likely pathogenic for Primary ciliary dyskinesia. Last evaluated: 2025-04-14. Review status: criteria provided, single submitter. Criteria: Natera Variant Classification Schema (03/2026). Collection method: clinical testing. Allele origin: germline.
Comment: The c.1431del variant in DNAI1 is a frameshift variant predicted to shift the reading frame beginning at codon 477 and leads to a stop codon 2 codons downstream. This variant is expected to result in nonsense mediated decay, truncation, or a dysfunctional protein product. This variant is rare in the general population with a frequency below the threshold expected for the associated phenotype(s). Given the available evidence, this variant is classified as Likely Pathogenic.

Myriad Genetics, Inc.
Classification: Pathogenic for Kartagener syndrome. Last evaluated: 2023-08-09. Review status: criteria provided, single submitter. Criteria: Myriad Autosomal Dominant, Autosomal Recessive and X-Linked Classification Criteria (2023). Collection method: clinical testing. Allele origin: unknown.
Comment: NM_012144.2(DNAI1):c.1431delG(K477Nfs*2) is expected to be pathogenic in the context of primary ciliary dyskinesia, DNAI1-related. This variant is predicted to lead to an abnormal or absent protein product due to the creation of a premature termination codon in DNAI1, a gene where loss-of-function variants are known to be pathogenic. Please note: this variant was assessed in the context of healthy population screening.

NM_012144.4(DNAI1):c.1431del (p.Lys477fs)

Gene: DNAI1 (dynein axonemal intermediate chain 1; plus strand). Cytogenetic location: 9p13.3.
Variant type: Deletion.
Coding change: c.1431del on transcript NM_012144.4 (MANE Select); coding-DNA position 1431, one base deleted (G; older notation c.1431delG).
Protein change: p.Lys477fs; shifts the reading frame from lysine 477.
Molecular consequence: frameshift variant.
Genome position (GRCh38, 1-based): chr9:34,512,366, G deleted. VCF-style (leftmost placement, unchanged base first): chr9-34512365-AG-A. GRCh37 (hg19) VCF-style: chr9-34512363-AG-A.
Other names: c.1443del, p.Lys481fs (NM_001281428.2); short protein forms K477fs, K481fs.
Identifiers: ClinVar variation 4066883 (VCV004066883.3).